The following is an entry in ClinVar:

NM_003482.4(KMT2D):c.11255C>T (p.Ala3752Val)

Gene: KMT2D (lysine methyltransferase 2D; minus strand). Cytogenetic location: 12q13.12.
Variant type: single nucleotide variant.
Coding change: c.11255C>T on transcript NM_003482.4 (MANE Select); coding-DNA position 11255, C replaced by T.
Protein change: p.Ala3752Val; replaces alanine 3752 with valine.
Molecular consequence: missense variant.
Genome position (GRCh38, 1-based): chr12:49,033,450, G>A on the plus strand (C>T on the coding strand, the complement: KMT2D is on the minus strand). VCF-style: chr12-49033450-G-A. GRCh37 (hg19) VCF-style: chr12-49427233-G-A.
Other names: short protein forms A3752V.
Identifiers: ClinVar variation 2635274 (VCV002635274.1), dbSNP rs2120442872, ClinGen allele CA384720591.

ClinVar aggregate classification (germline): Uncertain significance (1 of 4 stars; one submission).

Conditions:
KMT2D-related disorder. Also called: KMT2D-Related Disorders.

Allele frequency attached by ClinVar (database versions not stated): gnomAD exomes below 0.00001.
gnomAD v4.1: 1 of 1,597,558 alleles (0.000063%); highest among the groups gnomAD compares: Non-Finnish European, 0.000085%; no homozygotes.

Submission:

PreventionGenetics, part of Exact Sciences
Classification: Uncertain significance for KMT2D-related condition. Last evaluated: 2022-11-09. Review status: criteria provided, single submitter. Criteria: ACMG Guidelines, 2015. Collection method: clinical testing. Allele origin: germline.
Comment: The KMT2D c.11255C>T variant is predicted to result in the amino acid substitution p.Ala3752Val. To our knowledge, this variant has not been reported in the literature or in a large population database, indicating this variant is rare. At this time, the clinical significance of this variant is uncertain due to the absence of conclusive functional and genetic evidence.